The following is an entry in ClinVar:

NM_183050.4(BCKDHB):c.343+1G>C

Gene: BCKDHB (branched chain keto acid dehydrogenase E1 subunit beta; plus strand). Cytogenetic location: 6q14.1.
Variant type: single nucleotide variant.
Coding change: c.343+1G>C on transcript NM_183050.4 (MANE Select); the canonical splice donor site of the intron after coding-DNA position 343, G replaced by C.
Molecular consequence: splice donor variant.
Genome position (GRCh38, 1-based): chr6:80,129,230, G>C. VCF-style: chr6-80129230-G-C. GRCh37 (hg19) VCF-style: chr6-80838947-G-C.
Other names: c.133+1G>C (NM_001318975.1); c.343+1G>C (NM_000056.5).
Identifiers: ClinVar variation 846896 (VCV000846896.8), dbSNP rs1770503105, ClinGen allele CA364659274.
Genomic context (GRCh38, chr6:80,129,230, plus strand): 5'-GTGAAGATGTTGCCTTTGGTGGAGTCTTTAGATGCACTGTTGGCTTGCGAGACAAATATG[G>C]TAAGTAAATACCTATATGAATAGTATTCTGATAGAACTTTTACTAAAAGATCTTAAAAAT-3'

ClinVar aggregate classification (germline): Pathogenic (1 of 4 stars; one submission).

Conditions:
Maple syrup urine disease (MSUD). Identifiers: Orphanet 511, MedGen C0024776, MeSH D008375, MONDO:0009563. Disease mechanism: loss of function.

Submission:

Labcorp Genetics (formerly Invitae), Labcorp
Classification: Pathogenic for Maple syrup urine disease. Last evaluated: 2025-01-27. Review status: criteria provided, single submitter. Criteria: Invitae Variant Classification Sherloc (09022015). Collection method: clinical testing. Allele origin: germline.
Comment: This sequence change affects a donor splice site in intron 3 of the BCKDHB gene. It is expected to disrupt RNA splicing. Variants that disrupt the donor or acceptor splice site typically lead to a loss of protein function (PMID: 16199547), and loss-of-function variants in BCKDHB are known to be pathogenic (PMID: 16786533, 22593002). This variant is not present in population databases (gnomAD no frequency). Disruption of this splice site has been observed in individual(s) with maple syrup urine disease (PMID: 26786177). In at least one individual the data is consistent with being in trans (on the opposite chromosome) from a pathogenic variant. ClinVar contains an entry for this variant (Variation ID: 846896). Algorithms developed to predict the effect of sequence changes on RNA splicing suggest that this variant may disrupt the consensus splice site. For these reasons, this variant has been classified as Pathogenic.

Literature cited by the submitters: PubMed 16199547; PubMed 16786533; PubMed 22593002; PubMed 26786177.